The following is an entry in ClinVar:

ClinVar aggregate classification (germline): Likely benign (1 of 4 stars; one submission).

Allele frequency attached by ClinVar (database versions not stated): gnomAD exomes 0.00065; gnomAD 0.00620 and 0.00663; TOPMed 0.00657; 1000 Genomes Project 0.00659; 1000 Genomes Project 30x 0.00671.
gnomAD v4.1: 1,272 of 655,390 alleles (0.19%); highest among the groups gnomAD compares: African/African-American, 2.1%; 14 homozygotes.

Submission:

GeneDx
Classification: Likely benign. Last evaluated: 2018-06-16. Review status: criteria provided, single submitter. Criteria: GeneDx Variant Classification (06012015). Collection method: clinical testing. Allele origin: germline. Affected: yes.
Comment: This variant is considered likely benign or benign based on one or more of the following criteria: it is a conservative change, it occurs at a poorly conserved position in the protein, it is predicted to be benign by multiple in silico algorithms, and/or has population frequency not consistent with disease.

NM_001376.5(DYNC1H1):c.4075-168C>A

Gene: DYNC1H1 (dynein cytoplasmic 1 heavy chain 1; plus strand). Cytogenetic location: 14q32.31.
Variant type: single nucleotide variant.
Coding change: c.4075-168C>A on transcript NM_001376.5 (MANE Select); 168 bases into the intron before coding-DNA position 4075, C replaced by A.
Molecular consequence: intron variant.
Genome position (GRCh38, 1-based): chr14:102,000,786, C>A. VCF-style: chr14-102000786-C-A. GRCh37 (hg19) VCF-style: chr14-102467123-C-A.
Identifiers: ClinVar variation 678750 (VCV000678750.1), dbSNP rs368190198, ClinGen allele CA266994277.